The following is an entry in ClinVar:

NM_182961.4(SYNE1):c.6202G>A (p.Asp2068Asn)

Gene: SYNE1 (spectrin repeat containing nuclear envelope protein 1; minus strand). Cytogenetic location: 6q25.2.
Variant type: single nucleotide variant.
Coding change: c.6202G>A on transcript NM_182961.4 (MANE Select); coding-DNA position 6202, G replaced by A.
Protein change: p.Asp2068Asn; replaces aspartic acid 2068 with asparagine.
Molecular consequence: missense variant.
Genome position (GRCh38, 1-based): chr6:152,413,380, C>T on the plus strand (G>A on the coding strand, the complement: SYNE1 is on the minus strand). VCF-style: chr6-152413380-C-T. GRCh37 (hg19) VCF-style: chr6-152734515-C-T.
Other names: c.6223G>A, p.Asp2075Asn (NM_033071.5); short protein forms D2068N, D2075N.
Identifiers: ClinVar variation 2156977 (VCV002156977.4), dbSNP rs144797013, ClinGen allele CA4058146.

ClinVar aggregate classification (germline): Uncertain significance (1 of 4 stars; one submission).

Conditions:
Autosomal recessive ataxia, Beauce type. Also called: SYNE1-Related Autosomal Recessive Cerebellar Ataxia; Spinocerebellar ataxia, autosomal recessive 8; ATAXIA, RECESSIVE, OF BEAUCE; SYNE1 Deficiency. Identifiers: Orphanet 88644, MedGen C1853116, MONDO:0012549, OMIM 610743.
Emery-Dreifuss muscular dystrophy 4, autosomal dominant (EDMD4). Also called: EMERY-DREIFUSS MUSCULAR DYSTROPHY 4 WITH VARIABLE FEATURES. Identifiers: Orphanet 261, MedGen C2751807, MONDO:0013071, OMIM 612998.

Allele frequency attached by ClinVar (database versions not stated): ExAC 0.00001; ESP Exome Variant Server 0.00008.
gnomAD v4.1: 1 of 1,614,088 alleles (0.000062%); highest among the groups gnomAD compares: Non-Finnish European, 0.000085%; no homozygotes.

Submission:

Labcorp Genetics (formerly Invitae), Labcorp
Classification: Uncertain significance for Emery-Dreifuss muscular dystrophy 4, autosomal dominant; Autosomal recessive ataxia, Beauce type. Last evaluated: 2022-07-09. Review status: criteria provided, single submitter. Criteria: Invitae Variant Classification Sherloc (09022015). Collection method: clinical testing. Allele origin: germline.
Comment: This sequence change replaces aspartic acid, which is acidic and polar, with asparagine, which is neutral and polar, at codon 2075 of the SYNE1 protein (p.Asp2075Asn). This variant is not present in population databases (gnomAD no frequency). This variant has not been reported in the literature in individuals affected with SYNE1-related conditions. Algorithms developed to predict the effect of missense changes on protein structure and function output the following: SIFT: "Tolerated"; PolyPhen-2: "Benign"; Align-GVGD: "Class C0". The asparagine amino acid residue is found in multiple mammalian species, which suggests that this missense change does not adversely affect protein function. In summary, the available evidence is currently insufficient to determine the role of this variant in disease. Therefore, it has been classified as a Variant of Uncertain Significance.